The following is an entry in ClinVar:

NM_000553.6(WRN):c.2438A>G (p.Asp813Gly)

Gene: WRN (WRN RecQ like helicase; plus strand). Cytogenetic location: 8p12.
Variant type: single nucleotide variant.
Coding change: c.2438A>G on transcript NM_000553.6 (MANE Select); coding-DNA position 2438, A replaced by G.
Protein change: p.Asp813Gly; replaces aspartic acid 813 with glycine.
Molecular consequence: missense variant.
Genome position (GRCh38, 1-based): chr8:31,116,518, A>G. VCF-style: chr8-31116518-A-G. GRCh37 (hg19) VCF-style: chr8-30974034-A-G.
Other names: short protein forms D813G.
Identifiers: ClinVar variation 639763 (VCV000639763.5), dbSNP rs1585478562, ClinGen allele CA370914083.

ClinVar aggregate classification (germline): Uncertain significance (1 of 4 stars; one submission).

Conditions:
Werner syndrome (WRN). Identifiers: Orphanet 902, MedGen C0043119, MONDO:0010196, OMIM 277700.

Allele frequency attached by ClinVar (database versions not stated): TOPMed below 0.00001; gnomAD 0.00001.
gnomAD v4.1: 1 of 1,613,772 alleles (0.000062%); highest among the groups gnomAD compares: Non-Finnish European, 0.000085%; no homozygotes.

Submission:

Labcorp Genetics (formerly Invitae), Labcorp
Classification: Uncertain significance for Werner syndrome. Last evaluated: 2024-04-05. Review status: criteria provided, single submitter. Criteria: Invitae Variant Classification Sherloc (09022015). Collection method: clinical testing. Allele origin: germline.
Comment: This sequence change replaces aspartic acid, which is acidic and polar, with glycine, which is neutral and non-polar, at codon 813 of the WRN protein (p.Asp813Gly). This variant is not present in population databases (gnomAD no frequency). This variant has not been reported in the literature in individuals affected with WRN-related conditions. ClinVar contains an entry for this variant (Variation ID: 639763). An algorithm developed to predict the effect of missense changes on protein structure and function (PolyPhen-2) suggests that this variant is likely to be disruptive. In summary, the available evidence is currently insufficient to determine the role of this variant in disease. Therefore, it has been classified as a Variant of Uncertain Significance.